The following is an entry in ClinVar:

ClinVar aggregate classification (germline): Uncertain significance (1 of 4 stars; one submission).

gnomAD v4.1: 9 of 1,542,780 alleles (0.00058%); highest among the groups gnomAD compares: South Asian, 0.0096%; no homozygotes.

Submission:

Labcorp Genetics (formerly Invitae), Labcorp
Classification: Uncertain significance. Last evaluated: 2025-05-24. Review status: criteria provided, single submitter. Criteria: Invitae Variant Classification Sherloc (09022015). Collection method: clinical testing. Allele origin: germline.
Comment: This sequence change falls in intron 4 of the MYO7A gene. It does not directly change the encoded amino acid sequence of the MYO7A protein. It affects a nucleotide within the consensus splice site. This variant is present in population databases (rs782441263, gnomAD 0.01%). This variant has not been reported in the literature in individuals affected with MYO7A-related conditions. ClinVar contains an entry for this variant (Variation ID: 3625205). Variants that disrupt the consensus splice site are a relatively common cause of aberrant splicing (PMID: 17576681, 9536098). Algorithms developed to predict the effect of sequence changes on RNA splicing suggest that this variant is not likely to affect RNA splicing. In summary, the available evidence is currently insufficient to determine the role of this variant in disease. Therefore, it has been classified as a Variant of Uncertain Significance.

Literature cited by the submitters: PubMed 17576681; PubMed 9536098.

NM_000260.4(MYO7A):c.285+3G>A

Gene: MYO7A (myosin VIIA; plus strand). Cytogenetic location: 11q13.5.
Variant type: single nucleotide variant.
Coding change: c.285+3G>A on transcript NM_000260.4 (MANE Select); 3 bases into the intron after coding-DNA position 285, G replaced by A.
Molecular consequence: intron variant.
Genome position (GRCh38, 1-based): chr11:77,147,953, G>A. VCF-style: chr11-77147953-G-A. GRCh37 (hg19) VCF-style: chr11-76858999-G-A.
Other names: c.252+3G>A (NM_001369365.1); c.285+3G>A (NM_001127180.2).
Identifiers: ClinVar variation 3625205 (VCV003625205.2).